The following is an entry in ClinVar:

ClinVar aggregate classification (germline): Likely benign. Review status: criteria provided, multiple submitters, no conflicts (2 of 4 stars). 5 submissions from 4 submitters: Likely benign (4). 1 of the submissions does not count toward it. Last evaluated 2024-04-30.

Conditions:
Retinitis pigmentosa 39 (RP39). Identifiers: Orphanet 791, MedGen C3151138, MONDO:0013436, OMIM 613809.
Usher syndrome type 2A. Also called: RETINAL DISEASE IN USHER SYNDROME TYPE IIA, MODIFIER OF; USHER SYNDROME, TYPE IIA. Identifiers: Orphanet 231178, Orphanet 886, MedGen C1848634, MONDO:0010169, OMIM 276901.

Allele frequency attached by ClinVar (database versions not stated): ExAC 0.00001; gnomAD exomes 0.00001 and 0.00002.
gnomAD v4.1: 12 of 1,614,042 alleles (0.00074%); highest among the groups gnomAD compares: South Asian, 0.011%; no homozygotes.

Submissions (5):

Labcorp Genetics (formerly Invitae), Labcorp
Classification: Likely benign. Last evaluated: 2024-04-30. Review status: criteria provided, single submitter. Criteria: Invitae Variant Classification Sherloc (09022015). Collection method: clinical testing. Allele origin: germline.

Genome-Nilou Lab
Classification: Likely benign for Retinitis pigmentosa 39. Last evaluated: 2023-11-04. Review status: criteria provided, single submitter. Criteria: ACMG Guidelines, 2015. Collection method: clinical testing. Allele origin: germline. Affected: no.

Genome-Nilou Lab
Classification: Likely benign for Usher syndrome type 2A. Last evaluated: 2023-11-04. Review status: criteria provided, single submitter. Criteria: ACMG Guidelines, 2015. Collection method: clinical testing. Allele origin: germline. Affected: no.

Laboratory for Molecular Medicine, Mass General Brigham Personalized Medicine
Classification: Likely benign. Last evaluated: 2016-03-20. Review status: criteria provided, single submitter. Criteria: LMM Criteria. Collection method: clinical testing. Allele origin: germline. Observed: 1 variant allele.
Comment: p.Glu3448Glu in exon 52 of USH2A: This variant is not expected to have clinical significance because it does not alter an amino acid residue and is not located within the splice consensus sequence. It has been identified in 1/6512 South Asi an chromosomes by the Exome Aggregation Consortium (ExAC; dbSNP rs760725818).

Counsyl
Classification: Likely benign for Usher syndrome type 2A; Retinitis pigmentosa 39. Last evaluated: 2018-02-13. Review status: no assertion criteria provided. Collection method: clinical testing. Allele origin: unknown. Not counted in ClinVar's aggregate classification.

NM_206933.4(USH2A):c.10344A>G (p.Glu3448=)

Gene: USH2A (usherin; minus strand). Cytogenetic location: 1q41.
Variant type: single nucleotide variant.
Coding change: c.10344A>G on transcript NM_206933.4 (MANE Select); coding-DNA position 10344, A replaced by G.
Protein change: p.Glu3448=; no amino-acid change (glutamic acid 3448 retained).
Molecular consequence: synonymous variant.
Genome position (GRCh38, 1-based): chr1:215,786,713, T>C on the plus strand (A>G on the coding strand, the complement: USH2A is on the minus strand). VCF-style: chr1-215786713-T-C. GRCh37 (hg19) VCF-style: chr1-215960055-T-C.
Identifiers: ClinVar variation 228200 (VCV000228200.15), dbSNP rs760725818, ClinGen allele CA1394051.